The following is an entry in ClinVar:

ClinVar aggregate classification (germline): Uncertain significance (1 of 4 stars; one submission).

Submission:

GeneDx
Classification: Uncertain significance. Last evaluated: 2025-06-25. Review status: criteria provided, single submitter. Criteria: GeneDx Variant Classification Process June 2021. Collection method: clinical testing. Allele origin: germline. Affected: yes.
Comment: Not observed at significant frequency in large population cohorts (gnomAD); In silico analysis supports that this missense variant has a deleterious effect on protein structure/function; Has not been previously published as pathogenic or benign to our knowledge

NM_000828.5(GRIA3):c.2414G>A (p.Cys805Tyr)

Gene: GRIA3 (glutamate ionotropic receptor AMPA type subunit 3; plus strand). Cytogenetic location: Xq25.
Variant type: single nucleotide variant.
Coding change: c.2414G>A on transcript NM_000828.5 (MANE Plus Clinical); coding-DNA position 2414, G replaced by A.
Protein change: p.Cys805Tyr; replaces cysteine 805 with tyrosine.
Molecular consequence: missense variant. On other transcripts: intron variant (1).
Genome position (GRCh38, 1-based): chrX:123,465,763, G>A. VCF-style: chrX-123465763-G-A. GRCh37 (hg19) VCF-style: chrX-122599614-G-A.
Other names: c.2324+651G>A (NM_007325.5); short protein forms C805Y.
Identifiers: ClinVar variation 4540223 (VCV004540223.1).
Genomic context (GRCh38, chrX:123,465,763, plus strand): 5'-TGAATGAGCAAGGCCTCTTGGACAAATTGAAAAACAAATGGTGGTACGACAAAGGAGAGT[G>A]CGGCAGCGGGGGCGGTGACTCCAAGGTCAGCCTCAATGTCACCACAACCGGGTACCCTTA-3'
Protein context (NP_000819.4, residues 795-815): KNKWWYDKGE[Cys805Tyr]GSGGGDSKDK